The following is an entry in ClinVar:

NM_001385875.1(ZFYVE27):c.37C>G (p.Leu13Val)

Gene: ZFYVE27 (zinc finger FYVE-type containing 27; plus strand). Cytogenetic location: 10q24.2.
Variant type: single nucleotide variant.
Coding change: c.37C>G on transcript NM_001385875.1 (MANE Select); coding-DNA position 37, C replaced by G.
Protein change: p.Leu13Val; replaces leucine 13 with valine.
Molecular consequence: missense variant. On other transcripts: 5 prime UTR variant (13), non-coding transcript variant (17), intron variant (5).
Genome position (GRCh38, 1-based): chr10:97,738,514, C>G. VCF-style: chr10-97738514-C-G. GRCh37 (hg19) VCF-style: chr10-99498271-C-G.
Other names: c.37C>G, p.Leu13Val (NM_001002261.4, NM_001002262.4, NM_001174119.2 and 24 more transcripts); c.-143C>G (NM_001385890.1, NM_001385893.1, NM_001385895.1 and 2 more transcripts); c.-130C>G (NM_001385899.1, NM_001385900.1, NM_001385903.1 and 4 more transcripts); c.-158C>G (NM_001385915.1); c.-8+1193C>G (NM_001385891.1, NM_001385894.1, NM_001385892.1 and 1 more transcripts); c.-27+1193C>G (NM_001174121.2); short protein forms L13V.
Identifiers: ClinVar variation 877230 (VCV000877230.4), dbSNP rs748886337, ClinGen allele CA5635030.

ClinVar aggregate classification (germline): Likely benign (1 of 4 stars; one submission).

Conditions:
Hereditary spastic paraplegia 33. Also called: SPASTIC PARAPLEGIA 33, AUTOSOMAL DOMINANT. Identifiers: MedGen C1853251, MONDO:0012448, OMIM 610244.

Allele frequency attached by ClinVar (database versions not stated): TOPMed below 0.00001; gnomAD 0.00001; ExAC 0.00002; gnomAD exomes 0.00002 and 0.00003.
gnomAD v4.1: 50 of 1,614,070 alleles (0.0031%); highest among the groups gnomAD compares: East Asian, 0.11%; no homozygotes.

Submission:

Illumina Laboratory Services, Illumina
Classification: Likely benign for Hereditary spastic paraplegia 33. Last evaluated: 2018-01-13. Review status: criteria provided, single submitter. Criteria: ICSL Variant Classification Criteria 13 December 2019. Collection method: clinical testing. Allele origin: germline.
Comment: This variant was observed in the ICSL laboratory as part of a predisposition screen in an ostensibly healthy population. It had not been previously curated by ICSL or reported in the Human Gene Mutation Database (HGMD: prior to June 1st, 2018), and was therefore a candidate for classification through an automated scoring system. Utilizing variant allele frequency, disease prevalence and penetrance estimates, and inheritance mode, an automated score was calculated to assess if this variant is too frequent to cause the disease. Based on the score and internal cut-off values, a variant classified as likely benign is not then subjected to further curation. The score for this variant resulted in a classification of likely benign for this disease.